The following is an entry in ClinVar:

ClinVar aggregate classification (germline): Benign/Likely benign. Review status: criteria provided, multiple submitters, no conflicts (2 of 4 stars). 4 submissions from 4 submitters: Benign (1); Likely benign (1). 2 of the submissions do not count toward it. Last evaluated 2026-01-11.

Conditions:
Autosomal recessive polycystic kidney disease (ARPKD). Also called: AR polycystic kidney disease. Identifiers: Orphanet 731, Orphanet 8378, MedGen C0085548, MeSH D017044, MONDO:0009889.
PKHD1-related disorder. Also called: PKHD1-related condition.

Allele frequency attached by ClinVar (database versions not stated): gnomAD below 0.00001 and 0.00004; gnomAD exomes 0.00005 and 0.00012; ExAC 0.00022; 1000 Genomes Project 30x 0.00078; 1000 Genomes Project 0.00080.
gnomAD v4.1: 70 of 1,488,900 alleles (0.0047%); highest among the groups gnomAD compares: South Asian, 0.078%; 2 homozygotes.

Submissions (4):

Labcorp Genetics (formerly Invitae), Labcorp
Classification: Benign for Autosomal recessive polycystic kidney disease. Last evaluated: 2026-01-11. Review status: criteria provided, single submitter. Criteria: Invitae Variant Classification Sherloc (09022015). Collection method: clinical testing. Allele origin: germline.

Blueprint Genetics
Classification: Likely benign. Last evaluated: 2024-04-19. Review status: criteria provided, single submitter. Criteria: ACMG Guidelines, 2015. Collection method: clinical testing. Allele origin: germline.

PreventionGenetics, part of Exact Sciences
Classification: Likely benign for PKHD1-related condition. Last evaluated: 2024-05-17. Review status: no assertion criteria provided. Collection method: clinical testing. Allele origin: germline. Not counted in ClinVar's aggregate classification.
Comment: This variant is classified as likely benign based on ACMG/AMP sequence variant interpretation guidelines (Richards et al. 2015 PMID: 25741868, with internal and published modifications).

Natera, Inc.
Classification: Likely benign for Autosomal recessive polycystic kidney disease. Last evaluated: 2017-05-11. Review status: no assertion criteria provided. Collection method: clinical testing. Allele origin: germline. Not counted in ClinVar's aggregate classification.

NM_138694.4(PKHD1):c.786A>G (p.Leu262=)

Gene: PKHD1 (PKHD1 ciliary IPT domain containing fibrocystin/polyductin; minus strand). Cytogenetic location: 6p12.2.
Variant type: single nucleotide variant.
Coding change: c.786A>G on transcript NM_138694.4 (MANE Select); coding-DNA position 786, A replaced by G.
Protein change: p.Leu262=; no amino-acid change (leucine 262 retained).
Molecular consequence: synonymous variant.
Genome position (GRCh38, 1-based): chr6:52,066,070, T>C on the plus strand (A>G on the coding strand, the complement: PKHD1 is on the minus strand). VCF-style: chr6-52066070-T-C. GRCh37 (hg19) VCF-style: chr6-51930868-T-C.
Other names: c.786A>G, p.Leu262= (NM_170724.3).
Identifiers: ClinVar variation 744540 (VCV000744540.18), dbSNP rs570064466, ClinGen allele CA3853754.